The following is an entry in ClinVar:

NM_020987.5(ANK3):c.6215T>C (p.Ile2072Thr)

Gene: ANK3 (ankyrin 3; minus strand). Cytogenetic location: 10q21.2.
Variant type: single nucleotide variant.
Coding change: c.6215T>C on transcript NM_020987.5 (MANE Select); coding-DNA position 6215, T replaced by C.
Protein change: p.Ile2072Thr; replaces isoleucine 2072 with threonine.
Molecular consequence: missense variant. On other transcripts: intron variant (4).
Genome position (GRCh38, 1-based): chr10:60,074,666, A>G on the plus strand (T>C on the coding strand, the complement: ANK3 is on the minus strand). VCF-style: chr10-60074666-A-G. GRCh37 (hg19) VCF-style: chr10-61834424-A-G.
Other names: c.4387+5871T>C (NM_001204403.2); c.4408+5871T>C (NM_001204404.2); c.4405+5871T>C (NM_001320874.2); c.1807+5871T>C (NM_001149.4); short protein forms I2072T.
Identifiers: ClinVar variation 2084111 (VCV002084111.4), dbSNP rs2083399752, ClinGen allele CA377013844.

ClinVar aggregate classification (germline): Uncertain significance (1 of 4 stars; one submission).

Allele frequency attached by ClinVar (database versions not stated): gnomAD exomes below 0.00001; TOPMed below 0.00001; gnomAD 0.00001.
gnomAD v4.1: 5 of 1,613,464 alleles (0.00031%); highest among the groups gnomAD compares: African/African-American, 0.0013%; no homozygotes.

Submission:

Labcorp Genetics (formerly Invitae), Labcorp
Classification: Uncertain significance. Last evaluated: 2024-02-24. Review status: criteria provided, single submitter. Criteria: Invitae Variant Classification Sherloc (09022015). Collection method: clinical testing. Allele origin: germline.
Comment: This sequence change replaces isoleucine, which is neutral and non-polar, with threonine, which is neutral and polar, at codon 2072 of the ANK3 protein (p.Ile2072Thr). This variant is not present in population databases (gnomAD no frequency). This variant has not been reported in the literature in individuals affected with ANK3-related conditions. ClinVar contains an entry for this variant (Variation ID: 2084111). Advanced modeling of protein sequence and biophysical properties (such as structural, functional, and spatial information, amino acid conservation, physicochemical variation, residue mobility, and thermodynamic stability) performed at Invitae indicates that this missense variant is not expected to disrupt ANK3 protein function with a negative predictive value of 80%. In summary, the available evidence is currently insufficient to determine the role of this variant in disease. Therefore, it has been classified as a Variant of Uncertain Significance.